The following is an entry in ClinVar:

NM_000179.3(MSH6):c.2750A>T (p.Asp917Val)

Gene: MSH6 (mutS homolog 6; plus strand). Cytogenetic location: 2p16.3.
Variant type: single nucleotide variant.
Coding change: c.2750A>T on transcript NM_000179.3 (MANE Select); coding-DNA position 2750, A replaced by T.
Protein change: p.Asp917Val; replaces aspartic acid 917 with valine.
Molecular consequence: missense variant.
Genome position (GRCh38, 1-based): chr2:47,800,733, A>T. VCF-style: chr2-47800733-A-T. GRCh37 (hg19) VCF-style: chr2-48027872-A-T.
Other names: c.2360A>T, p.Asp787Val (NM_001281492.2); c.1844A>T, p.Asp615Val (NM_001281493.2, NM_001281494.2, NM_001406811.1 and 6 more transcripts); c.2846A>T, p.Asp949Val (NM_001406795.1, NM_001406802.1); c.2750A>T, p.Asp917Val (NM_001406796.1, NM_001406798.1, NM_001406800.1 and 2 more transcripts); c.2453A>T, p.Asp818Val (NM_001406797.1, NM_001406801.1, NM_001406805.1 and 10 more transcripts); c.2225A>T, p.Asp742Val (NM_001406799.1, NM_001406806.1, NM_001406807.1); c.2672A>T, p.Asp891Val (NM_001406804.1); c.2756A>T, p.Asp919Val (NM_001406813.1); and 2 more; short protein forms D787V, D232V, D615V, D818V, D861V, D919V, D917V, D949V.
Identifiers: ClinVar variation 1795558 (VCV001795558.2), dbSNP rs1669506919, ClinGen allele CA346755418.

ClinVar aggregate classification (germline): Uncertain significance (1 of 4 stars; one submission).

Conditions:
Hereditary cancer-predisposing syndrome. Also called: Tumor predisposition; Hereditary Cancer Syndrome; Neoplastic Syndromes, Hereditary; Hereditary neoplastic syndrome. Identifiers: Orphanet 140162, MedGen C0027672, MeSH D009386, MONDO:0015356.

Submission:

Ambry Genetics
Classification: Uncertain significance for Hereditary cancer-predisposing syndrome. Last evaluated: 2022-09-23. Review status: criteria provided, single submitter. Criteria: Ambry Variant Classification Scheme 2023. Collection method: clinical testing. Allele origin: germline.
Comment: The p.D917V variant (also known as c.2750A>T), located in coding exon 4 of the MSH6 gene, results from an A to T substitution at nucleotide position 2750. The aspartic acid at codon 917 is replaced by valine, an amino acid with highly dissimilar properties. This amino acid position is conserved. In addition, this alteration is predicted to be deleterious by in silico analysis. Since supporting evidence is limited at this time, the clinical significance of this alteration remains unclear.